The following is an entry in ClinVar:

NM_001042492.3(NF1):c.1063-10G>A

Gene: NF1 (neurofibromin 1; plus strand). Cytogenetic location: 17q11.2.
Variant type: single nucleotide variant.
Coding change: c.1063-10G>A on transcript NM_001042492.3 (MANE Select); 10 bases into the intron before coding-DNA position 1063, G replaced by A.
Molecular consequence: intron variant.
Genome position (GRCh38, 1-based): chr17:31,201,027, G>A. VCF-style: chr17-31201027-G-A. GRCh37 (hg19) VCF-style: chr17-29528045-G-A.
Other names: c.1063-10G>A (NM_000267.4, NM_001128147.3).
Identifiers: ClinVar variation 1668516 (VCV001668516.9), dbSNP rs2143878286, ClinGen allele CA2573153548.

ClinVar aggregate classification (germline): Likely benign. Review status: criteria provided, multiple submitters, no conflicts (2 of 4 stars). 2 submissions from 2 submitters: Likely benign (2). Last evaluated 2026-05-11.

Conditions:
Neurofibromatosis, type 1 (NF1). Also called: VON RECKLINGHAUSEN DISEASE; NEUROFIBROMATOSIS, TYPE I, SOMATIC; Neurofibromatosis, type I; Peripheral type neurofibromatosis. Identifiers: Orphanet 636, MedGen C0027831, MONDO:0018975, OMIM 162200. Disease mechanism: loss of function.

Allele frequency attached by ClinVar (database versions not stated): gnomAD exomes below 0.00001.
gnomAD v4.1: 4 of 1,612,992 alleles (0.00025%); highest among the groups gnomAD compares: Non-Finnish European, 0.00034%; no homozygotes.

Submissions (2):

Myriad Genetics, Inc.
Classification: Likely benign for Neurofibromatosis, type 1. Last evaluated: 2026-05-11. Review status: criteria provided, single submitter. Criteria: Myriad Autosomal Dominant, Autosomal Recessive and X-Linked Classification Criteria (2023). Collection method: clinical testing. Allele origin: unknown.
Comment: This variant is considered likely benign. This variant is intronic and is not expected to impact mRNA splicing.

Labcorp Genetics (formerly Invitae), Labcorp
Classification: Likely benign for Neurofibromatosis, type 1. Last evaluated: 2021-01-02. Review status: criteria provided, single submitter. Criteria: Invitae Variant Classification Sherloc (09022015). Collection method: clinical testing. Allele origin: germline.